The following is an entry in ClinVar:

ClinVar aggregate classification (germline): Uncertain significance (1 of 4 stars; one submission).

Conditions:
Hajdu-Cheney syndrome (HJCYS). Also called: ACROOSTEOLYSIS WITH OSTEOPOROSIS AND CHANGES IN SKULL AND MANDIBLE; SERPENTINE FIBULA-POLYCYSTIC KIDNEY SYNDROME; Acroosteolysis dominant type. Identifiers: Orphanet 955, MedGen C0917715, MONDO:0007057, OMIM 102500.

Allele frequency attached by ClinVar (database versions not stated): gnomAD exomes 0.00001; gnomAD 0.00001; TOPMed 0.00002.
gnomAD v4.1: 14 of 1,614,062 alleles (0.00087%); highest among the groups gnomAD compares: Non-Finnish European, 0.0012%; no homozygotes.

Submission:

Labcorp Genetics (formerly Invitae), Labcorp
Classification: Uncertain significance for Hajdu-Cheney syndrome. Last evaluated: 2025-09-15. Review status: criteria provided, single submitter. Criteria: Invitae Variant Classification Sherloc (09022015). Collection method: clinical testing. Allele origin: germline.
Comment: This sequence change replaces aspartic acid, which is acidic and polar, with asparagine, which is neutral and polar, at codon 1582 of the NOTCH2 protein (p.Asp1582Asn). This variant is present in population databases (no rsID available, gnomAD 0.002%). This variant has not been reported in the literature in individuals affected with NOTCH2-related conditions. ClinVar contains an entry for this variant (Variation ID: 2722739). Invitae Evidence Modeling of protein sequence and biophysical properties (such as structural, functional, and spatial information, amino acid conservation, physicochemical variation, residue mobility, and thermodynamic stability) indicates that this missense variant is not expected to disrupt NOTCH2 protein function with a negative predictive value of 80%. In summary, the available evidence is currently insufficient to determine the role of this variant in disease. Therefore, it has been classified as a Variant of Uncertain Significance.

NM_024408.4(NOTCH2):c.4744G>A (p.Asp1582Asn)

Gene: NOTCH2 (notch receptor 2; minus strand). Cytogenetic location: 1p12.
Variant type: single nucleotide variant.
Coding change: c.4744G>A on transcript NM_024408.4 (MANE Select); coding-DNA position 4744, G replaced by A.
Protein change: p.Asp1582Asn; replaces aspartic acid 1582 with asparagine.
Molecular consequence: missense variant.
Genome position (GRCh38, 1-based): chr1:119,923,752, C>T on the plus strand (G>A on the coding strand, the complement: NOTCH2 is on the minus strand). VCF-style: chr1-119923752-C-T. GRCh37 (hg19) VCF-style: chr1-120466375-C-T.
Other names: short protein forms D1582N.
Identifiers: ClinVar variation 2722739 (VCV002722739.3), dbSNP rs1039437832, ClinGen allele CA30318560.